The following is an entry in ClinVar:

ClinVar aggregate classification (germline): Pathogenic/Likely pathogenic. Review status: criteria provided, multiple submitters, no conflicts (2 of 4 stars). 10 submissions from 10 submitters: Pathogenic (8); Likely pathogenic (1). 1 of the submissions does not count toward it. Last evaluated 2026-06-23.

Conditions:
Autosomal recessive POLG-related disorders.
Mitochondrial DNA depletion syndrome. Also called: mitochondrial DNA depletion. Identifiers: Orphanet 35698, MedGen C0342782, MONDO:0018158.
POLG-related disorder. Also called: POLG-Related Spectrum Disorders; POLG-related condition; POLG-Related Disorders. Identifiers: MedGen C4763519.
Sensory ataxic neuropathy, dysarthria, and ophthalmoparesis (SANDO). Also called: Epilepsy, progressive myoclonic, type 5; Sensory ataxic neuropathy-dysarthria-ophthalmoparesis syndrome; SENSORY ATAXIC NEUROPATHY WITH MITOCHONDRIAL DNA DELETIONS, AUTOSOMAL RECESSIVE; Ataxia Neuropathy Spectrum (ANS). Identifiers: Orphanet 70595, MedGen C1843851, MONDO:0011835, OMIM 607459.
Mitochondrial DNA depletion syndrome 4b. Also called: MNGIE, POLG-RELATED; Mitochondrial Neurogastrointestinal Encephalopathy Disease, POLG-Related. Identifiers: Orphanet 298, MedGen C3150914, MONDO:0013350, OMIM 613662.
Progressive external ophthalmoplegia with mitochondrial DNA deletions, autosomal recessive 1 (PEOB1). Also called: Autosomal Recessive Progressive External Ophthalmoplegia (arPEO); Progressive external ophthalmoplegia, autosomal recessive 1. Identifiers: Orphanet 254886, MedGen C4225153, MONDO:0009783, OMIM 258450.
Progressive sclerosing poliodystrophy (MTDPS4A). Also called: NEURONAL DEGENERATION OF CHILDHOOD WITH LIVER DISEASE, PROGRESSIVE; ALPERS DIFFUSE DEGENERATION OF CEREBRAL GRAY MATTER WITH HEPATIC CIRRHOSIS; Alpers-Huttenlocher Syndrome; ALPERS PROGRESSIVE INFANTILE POLIODYSTROPHY; Alpers-Huttenlocher Syndrome (AHS); Alpers Syndrome. Identifiers: Orphanet 726, MedGen C0205710, MONDO:0008758, OMIM 203700.
Progressive external ophthalmoplegia with mitochondrial DNA deletions, autosomal dominant 1 (PEOA1). Also called: PROGRESSIVE EXTERNAL OPHTHALMOPLEGIA, AUTOSOMAL DOMINANT 1; Autosomal Dominant Progressive External Ophthalmoplegia (adPEO). Identifiers: MedGen C1834846, MONDO:0024528, OMIM 157640.

Allele frequency attached by ClinVar (database versions not stated): gnomAD exomes below 0.00001; gnomAD 0.00001; TOPMed 0.00001.
gnomAD v4.1: 7 of 1,611,770 alleles (0.00043%); highest among the groups gnomAD compares: African/African-American, 0.0013%; no homozygotes.

Submissions (10):

Myriad Genetics, Inc.
Classification: Likely pathogenic for POLG-related disorder. Last evaluated: 2026-06-23. Review status: criteria provided, single submitter. Criteria: Myriad Autosomal Dominant, Autosomal Recessive and X-Linked Classification Criteria (2023). Collection method: clinical testing. Allele origin: unknown.
Comment: NM_002693.2(POLG):c.1879C>T(R627W) is a missense variant classified as likely pathogenic in the context of POLG-related disorders. R627W has been observed in cases with relevant disease (PMID: 12565911, 29302508, 18487244, 22537151, 31425757, 16621917). Relevant functional assessments of this variant are not available in the literature. R627W has been observed in referenced population frequency databases. In summary, NM_002693.2(POLG):c.1879C>T(R627W) is a missense variant that has been observed more frequently in cases with the relevant disease than in healthy populations. Please note: this variant was assessed in the context of healthy population screening.

GeneDx
Classification: Pathogenic. Last evaluated: 2026-04-02. Review status: criteria provided, single submitter. Criteria: GeneDx Variant Classification Process June 2021. Collection method: clinical testing. Allele origin: germline.
Comment: Not observed at significant frequency in large population cohorts (gnomAD); In silico analysis supports that this missense variant has a deleterious effect on protein structure/function; This variant is associated with the following publications: (PMID: 19752458, 20220442, 31425757, 22537151, 17981517, 12921794, 16181814, 33469851, 22931735, 28206745, 15917273, 15823672, 12565911, 30167885, 16621917, 14635118, 17502560, 32600829, 23545419, 24508722, 20513108, 18446310, 19010300, 18487244, 16024923, 19813183, 22176657, 29302508, 32613234, 25143630, 27538604)

Labcorp Genetics (formerly Invitae), Labcorp
Classification: Pathogenic for Progressive sclerosing poliodystrophy. Last evaluated: 2025-08-06. Review status: criteria provided, single submitter. Criteria: Invitae Variant Classification Sherloc (09022015). Collection method: clinical testing. Allele origin: germline.
Comment: This sequence change replaces arginine, which is basic and polar, with tryptophan, which is neutral and slightly polar, at codon 627 of the POLG protein (p.Arg627Trp). This variant is present in population databases (rs121918046, gnomAD 0.01%). This missense change has been observed in individual(s) with POLG-related conditions (PMID: 12565911, 29302508). In at least one individual the data is consistent with being in trans (on the opposite chromosome) from a pathogenic variant. ClinVar contains an entry for this variant (Variation ID: 13499). Invitae Evidence Modeling of protein sequence and biophysical properties (such as structural, functional, and spatial information, amino acid conservation, physicochemical variation, residue mobility, and thermodynamic stability) indicates that this missense variant is expected to disrupt POLG protein function with a positive predictive value of 95%. This variant disrupts the p.Arg627 amino acid residue in POLG. Other variant(s) that disrupt this residue have been determined to be pathogenic (PMID: 15917273, 16621917, 17502560, 19752458). This suggests that this residue is clinically significant, and that variants that disrupt this residue are likely to be disease-causing. For these reasons, this variant has been classified as Pathogenic.

Variantyx, Inc.
Classification: Pathogenic for Autosomal recessive POLG-related disorders. Last evaluated: 2025-05-13. Review status: criteria provided, single submitter. Criteria: Variantyx Assertion Criteria 2022. Collection method: clinical testing. Allele origin: germline. Inheritance: Autosomal recessive inheritance. Affected: no.
Comment: This is a nonsynonymous variant in the POLG gene (OMIM: 174763). Pathogenic variants in this gene have been associated with autosomal recessive POLG-related disorders. This variant has been identified in the homozygous or compound heterozygous state in at least 8 individuals reported in the published literature (PMID: 12565911, 22537151, 31425757 , 30167885 , 16621917, 2930250, 14694057) (PM3_Very Strong). Multiple computational algorithms predict a deleterious effect for this variant (PP3), and an alternate amino acid change at this position (p.Arg627Gln) has been previously reported in similarly affected individuals, which suggests that this residue is biologically important (PMID: 15917273, 17502560) (PM5). This variant has a 0.0013% maximum allele frequency in non-founder control populations (PM2_Moderate). Based on the current evidence, this variant is classified as pathogenic for autosomal recessive POLG-related disorders.

Fulgent Genetics
Classification: Pathogenic for Progressive external ophthalmoplegia with mitochondrial DNA deletions, autosomal dominant 1; Progressive sclerosing poliodystrophy; Progressive external ophthalmoplegia with mitochondrial DNA deletions, autosomal recessive 1; Sensory ataxic neuropathy, dysarthria, and ophthalmoparesis; Mitochondrial DNA depletion syndrome 4b. Last evaluated: 2024-03-08. Review status: criteria provided, single submitter. Criteria: ACMG Guidelines, 2015. Collection method: clinical testing. Allele origin: germline.

Women's Health and Genetics/Laboratory Corporation of America, LabCorp
Classification: Pathogenic for Mitochondrial DNA depletion syndrome. Last evaluated: 2024-03-08. Review status: criteria provided, single submitter. Criteria: LabCorp Variant Classification Summary - May 2015. Collection method: clinical testing. Allele origin: germline.
Comment: Variant summary: POLG c.1879C>T (p.Arg627Trp) results in a non-conservative amino acid change in the encoded protein sequence. Five of five in-silico tools predict a damaging effect of the variant on protein function. The variant was absent in 249392 control chromosomes. c.1879C>T has been reported in the literature as a biallelic genotype in individuals affected with POLG spectrum of disorders (example, VanGoethem_2003, Horvath_2006, Nolte_2013). These data indicate that the variant is likely to be associated with disease. The following publications have been ascertained in the context of this evaluation (PMID: 16621917, 22537151, 29302508, 14694057, 12565911). ClinVar contains an entry for this variant (Variation ID: 13499). Based on the evidence outlined above, the variant was classified as pathogenic.

Baylor Genetics
Classification: Pathogenic for Progressive sclerosing poliodystrophy. Last evaluated: 2023-03-28. Review status: criteria provided, single submitter. Criteria: ACMG Guidelines, 2015. Collection method: clinical testing. Allele origin: unknown.

Revvity Omics, Revvity
Classification: Pathogenic. Last evaluated: 2021-06-11. Review status: criteria provided, single submitter. Criteria: ACMG Guidelines, 2015. Collection method: clinical testing. Allele origin: germline.

Juno Genomics, Hangzhou Juno Genomics, Inc
Classification: Pathogenic for Progressive sclerosing poliodystrophy; Sensory ataxic neuropathy, dysarthria, and ophthalmoparesis; Mitochondrial DNA depletion syndrome 4b; Progressive external ophthalmoplegia with mitochondrial DNA deletions, autosomal dominant 1; Progressive external ophthalmoplegia with mitochondrial DNA deletions, autosomal recessive 1. Review status: criteria provided, single submitter. Criteria: ACMG Guidelines, 2015. Collection method: clinical testing. Allele origin: germline. Affected: yes.
Comment: Absent from controls (or at extremely low frequency if recessive) in Genome Aggregation Database.;Multiple lines of computational evidence support a deleterious effect on the gene or gene product.;Co-segregation with disease in multiple affected family members.;For recessive disorders, detected in trans with a pathogenic variant.

OMIM
Classification: Pathogenic for SENSORY ATAXIC NEUROPATHY, DYSARTHRIA, AND OPHTHALMOPARESIS. Last evaluated: 2003-02-01. Review status: no assertion criteria provided. Collection method: literature only. Allele origin: germline. Not counted in ClinVar's aggregate classification.

Literature cited by the submitters: PubMed 12565911 (cited by 5 submitters); PubMed 16621917 (cited by 4 submitters); PubMed 18487244 (cited by Myriad Genetics, Inc.); PubMed 22537151 (cited by 3 submitters); PubMed 29302508 (cited by 3 submitters); PubMed 31425757 (cited by Myriad Genetics, Inc. and Variantyx, Inc.); PubMed 15917273 (cited by Labcorp Genetics (formerly Invitae), Labcorp and Variantyx, Inc.); PubMed 17502560 (cited by Labcorp Genetics (formerly Invitae), Labcorp and Variantyx, Inc.); PubMed 19752458 (cited by Labcorp Genetics (formerly Invitae), Labcorp); PubMed 30167885 (cited by Variantyx, Inc.); PubMed 2930250 (cited by Variantyx, Inc.); PubMed 14694057 (cited by Variantyx, Inc. and Women's Health and Genetics/Laboratory Corporation of America, LabCorp).

NM_002693.3(POLG):c.1879C>T (p.Arg627Trp)

Gene: POLG (DNA polymerase gamma, catalytic subunit; minus strand). Cytogenetic location: 15q26.1.
Variant type: single nucleotide variant.
Coding change: c.1879C>T on transcript NM_002693.3 (MANE Select); coding-DNA position 1879, C replaced by T.
Protein change: p.Arg627Trp; replaces arginine 627 with tryptophan.
Molecular consequence: missense variant.
Genome position (GRCh38, 1-based): chr15:89,325,520, G>A on the plus strand (C>T on the coding strand, the complement: POLG is on the minus strand). VCF-style: chr15-89325520-G-A. GRCh37 (hg19) VCF-style: chr15-89868751-G-A.
Other names: c.1879C>T, p.Arg627Trp (NM_001126131.2); short protein forms R627W.
Identifiers: ClinVar variation 13499 (VCV000013499.24), dbSNP rs121918046, ClinGen allele CA256887.
Genomic context (GRCh38, chr15:89,325,520, plus strand): 5'-AGACCACCCCAGCTGACTCCAGGGTGGTACCTGTCGGCAGCTTGGCCAGGTTGTCCCGCC[G>A]CCCAGGCACCAAGTAGCCCCAGCCATGACGCTCTGAGTAGTGCAGAGGGAAGCCATCCCA-3'
Protein context (NP_002684.1, residues 617-637): RHGWGYLVPG[Arg627Trp]RDNLAKLPTG